The following is an entry in ClinVar:

NM_152383.5(DIS3L2):c.260C>T (p.Ser87Phe)

Gene: DIS3L2 (DIS3 like 3'-5' exoribonuclease 2; plus strand). Cytogenetic location: 2q37.1.
Variant type: single nucleotide variant.
Coding change: c.260C>T on transcript NM_152383.5 (MANE Select); coding-DNA position 260, C replaced by T.
Protein change: p.Ser87Phe; replaces serine 87 with phenylalanine.
Molecular consequence: missense variant. On other transcripts: non-coding transcript variant (2).
Genome position (GRCh38, 1-based): chr2:232,024,326, C>T. VCF-style: chr2-232024326-C-T. GRCh37 (hg19) VCF-style: chr2-232889036-C-T.
Other names: c.260C>T, p.Ser87Phe (NM_001257281.2, NM_001257282.2); short protein forms S87F.
Identifiers: ClinVar variation 1441190 (VCV001441190.6), dbSNP rs1694600552, ClinGen allele CA351152821.

ClinVar aggregate classification (germline): Uncertain significance (1 of 4 stars; one submission).

Conditions:
Perlman syndrome (PRLMNS). Identifiers: Orphanet 2849, MedGen C0796113, MONDO:0009965, OMIM 267000.

Submission:

Labcorp Genetics (formerly Invitae), Labcorp
Classification: Uncertain significance for Perlman syndrome. Last evaluated: 2022-10-10. Review status: criteria provided, single submitter. Criteria: Invitae Variant Classification Sherloc (09022015). Collection method: clinical testing. Allele origin: germline.
Comment: In summary, the available evidence is currently insufficient to determine the role of this variant in disease. Therefore, it has been classified as a Variant of Uncertain Significance. Advanced modeling of protein sequence and biophysical properties (such as structural, functional, and spatial information, amino acid conservation, physicochemical variation, residue mobility, and thermodynamic stability) performed at Invitae indicates that this missense variant is expected to disrupt DIS3L2 protein function. ClinVar contains an entry for this variant (Variation ID: 1441190). This variant has not been reported in the literature in individuals affected with DIS3L2-related conditions. This variant is not present in population databases (gnomAD no frequency). This sequence change replaces serine, which is neutral and polar, with phenylalanine, which is neutral and non-polar, at codon 87 of the DIS3L2 protein (p.Ser87Phe).